The following is an entry in ClinVar:

ClinVar aggregate classification (germline): Uncertain significance (1 of 4 stars; one submission).

Conditions:
Progressive myoclonic epilepsy. Also called: Familial progressive myoclonic epilepsy; Myoclonus epilepsy; Progressive myoclonus epilepsy; Myoclonic Epilepsies, Progressive. Identifiers: Orphanet 308, Orphanet 98261, MedGen C0751778, MONDO:0020074.

Allele frequency attached by ClinVar (database versions not stated): gnomAD exomes below 0.00001 and 0.00001; ExAC 0.00001; gnomAD 0.00001; TOPMed 0.00001; ESP Exome Variant Server 0.00008.
gnomAD v4.1: 9 of 1,568,836 alleles (0.00057%); highest among the groups gnomAD compares: Non-Finnish European, 0.00079%; no homozygotes.

Submission:

Labcorp Genetics (formerly Invitae), Labcorp
Classification: Uncertain significance for Progressive myoclonic epilepsy. Last evaluated: 2021-09-09. Review status: criteria provided, single submitter. Criteria: Invitae Variant Classification Sherloc (09022015). Collection method: clinical testing. Allele origin: germline.
Comment: This sequence change replaces methionine with threonine at codon 19 of the GOSR2 protein (p.Met19Thr). The methionine residue is highly conserved and there is a moderate physicochemical difference between methionine and threonine. This variant is present in population databases (rs374861039, ExAC 0.002%). This variant has not been reported in the literature in individuals affected with GOSR2-related conditions. Algorithms developed to predict the effect of missense changes on protein structure and function are either unavailable or do not agree on the potential impact of this missense change (SIFT: "Deleterious"; PolyPhen-2: "Benign"; Align-GVGD: "Class C25"). In summary, the available evidence is currently insufficient to determine the role of this variant in disease. Therefore, it has been classified as a Variant of Uncertain Significance.

NM_004287.5(GOSR2):c.56T>C (p.Met19Thr)

Genes: GOSR2 (golgi SNAP receptor complex member 2; plus strand), LRRC37A2 (leucine rich repeat containing 37 member A2). Cytogenetic location: 17q21.32.
Variant type: single nucleotide variant.
Coding change: c.56T>C on transcript NM_004287.5 (MANE Select); coding-DNA position 56, T replaced by C.
Protein change: p.Met19Thr; replaces methionine 19 with threonine.
Molecular consequence: missense variant. On other transcripts: initiator codon variant (2), non-coding transcript variant (3).
Genome position (GRCh38, 1-based): chr17:46,929,546, T>C. VCF-style: chr17-46929546-T-C. GRCh37 (hg19) VCF-style: chr17-45006912-T-C.
Other names: c.56T>C, p.Met19Thr (NM_001012511.3, NM_001321133.2, NM_001330252.2 and 4 more transcripts); c.2T>C, p.Met1Thr (NM_001321134.2, NM_001363851.2); short protein forms M19T, M1T.
Identifiers: ClinVar variation 1464450 (VCV001464450.4), dbSNP rs374861039, ClinGen allele CA8621125.
Genomic context (GRCh38, chr17:46,929,546, plus strand): 5'-TGTCTCACTCATTTCCTCCCTCTTCCTTTGATAGGCAGGTCCACGAGATCCAGTCTTGCA[T>C]GGGACGCCTGGAGACGGCAGACAAGCAGTCTGTGCACAGTGAGTAATTAACTGTGGAGAC-3'
Protein context (NP_004278.2, residues 9-29): HKQVHEIQSC[Met19Thr]GRLETADKQS